The following is an entry in ClinVar:

ClinVar aggregate classification (germline): Uncertain significance. Review status: criteria provided, multiple submitters, no conflicts (2 of 4 stars). 5 submissions from 4 submitters: Uncertain significance (3). 2 of the submissions do not count toward it. Last evaluated 2026-09-08.

Conditions:
Fabry disease. Also called: ALPHA-GALACTOSIDASE A DEFICIENCY; ANDERSON-FABRY DISEASE; CERAMIDE TRIHEXOSIDASE DEFICIENCY; Fabry's disease; Angiokeratoma corporis diffusum; Ceramide trihexosidosis. Identifiers: Orphanet 324, MedGen C0002986, MONDO:0010526, OMIM 301500, HP:0001071. Disease mechanism: loss of function, Fabry disease is due to inactivating mutations in the X-linked GLA gene resulting in deficiency of the enzyme Alpha Galactosidase-A..
Migalastat response. Also called: 1-Deoxygalactonojirimycin response; Galafold response. Identifiers: MedGen CN233149.

Allele frequency attached by ClinVar (database versions not stated): gnomAD exomes below 0.00001 and 0.00001; ExAC 0.00001.
gnomAD v4.1: 1 of 1,207,860 alleles (0.000083%); highest among the groups gnomAD compares: Non-Finnish European, 0.00011%; no homozygotes.

Submissions (5):

Genomenon, Inc
Classification: Uncertain significance for Fabry disease. Last evaluated: 2026-09-08. Review status: criteria provided, single submitter. Criteria: Genomenon Sequence Variant Interpretation Standards - Updated. Collection method: curation. Allele origin: germline. Affected: no.
Comment: GLA p.Glu71Gly (c.212A>G) is a missense variant that changes the amino acid at codon 71 from Glutamic acid to Glycine. This variant has been reported in the published literature (PMID:26415523). It is absent or not present at a significant frequency in gnomAD. In conclusion, we classify GLA p.Glu71Gly (c.212A>G) as a variant of uncertain significance.

Revvity Omics, Revvity
Classification: Uncertain significance. Last evaluated: 2022-11-16. Review status: criteria provided, single submitter. Criteria: ACMG Guidelines, 2015. Collection method: clinical testing. Allele origin: germline.

Broad Center for Mendelian Genomics, Broad Institute of MIT and Harvard
Classification: Uncertain significance for Fabry disease. Last evaluated: 2020-01-22. Review status: criteria provided, single submitter. Criteria: ACMG Guidelines, 2015. Collection method: curation. Allele origin: germline. Inheritance: X-linked inheritance.
Comment: The p.Glu71Gly variant in GLA has been reported in the literature in one individual with suspected Fabry Disease (PMID: 26415523), and has been identified in 0.0036% (1/27427) of Latin chromosomes, including 1 hemizygote, by the Genome Aggregation Database (gnomAD; dbSNP rs781927744). Although this variant has been seen in the general population, its frequency is low enough to be consistent with Fabry disease. Please note that for diseases with clinical variability, or reduced penetrance, pathogenic variants may be present at a low frequency in the general population. This variant has also been reported in ClinVar as a VUS by Albrecht-Kossel-Institute (Variation ID: 217379). In vitro functional studies provide some evidence that the p.Glu71Gly variant may not impact protein function (PMID: 26415523). However, these types of assays may not accurately represent biological function. Computational prediction tools and conservation analyses do not provide strong support for or against an impact to the protein. In summary, the clinical significance of the p.Glu71Gly variant is uncertain. ACMG/AMP Criteria applied: BS3_supporting, PM2_supporting (Richards 2015).

Albrecht-Kossel-Institute, Medical University Rostock
Classification: Uncertain significance for Fabry's disease. Last evaluated: 2014-01-01. Review status: no assertion criteria provided. Collection method: research. Allele origin: inherited. Not counted in ClinVar's aggregate classification.

Albrecht-Kossel-Institute, Medical University Rostock
Classification: drug response for deoxygalactonojirimycin response. Last evaluated: 2014-01-01. Review status: no assertion criteria provided. Collection method: research. Allele origin: inherited. Not counted in ClinVar's aggregate classification.

Literature cited by the submitters: PubMed 26415523 (cited by 3 submitters).

NM_000169.3(GLA):c.212A>G (p.Glu71Gly)

Genes: GLA (galactosidase alpha; minus strand), RPL36A-HNRNPH2 (RPL36A-HNRNPH2 readthrough; plus strand). Cytogenetic location: Xq22.1.
Variant type: single nucleotide variant.
Coding change: c.212A>G on transcript NM_000169.3 (MANE Select); coding-DNA position 212, A replaced by G.
Protein change: p.Glu71Gly; replaces glutamic acid 71 with glycine.
Molecular consequence: missense variant. On other transcripts: non-coding transcript variant (3), intron variant (2).
Genome position (GRCh38, 1-based): chrX:101,403,968, T>C on the plus strand (A>G on the coding strand, the complement: GLA is on the minus strand). VCF-style: chrX-101403968-T-C. GRCh37 (hg19) VCF-style: chrX-100658956-T-C.
Other names: c.212A>G (NM_000169.2); c.335A>G, p.Glu112Gly (NM_001406747.1, NM_001406749.1); c.212A>G, p.Glu71Gly (NM_001406748.1); c.301-7968T>C (NM_001199973.2); c.178-7968T>C (NM_001199974.2); short protein forms E71G, E112G.
Identifiers: ClinVar variation 217379 (VCV000217379.8), dbSNP rs781927744, ClinGen allele CA030441.